The following is an entry in ClinVar:

NM_031229.4(RBCK1):c.227G>A (p.Arg76His)

Gene: RBCK1 (RANBP2-type and C3HC4-type zinc finger containing 1; plus strand). Cytogenetic location: 20p13.
Variant type: single nucleotide variant.
Coding change: c.227G>A on transcript NM_031229.4 (MANE Select); coding-DNA position 227, G replaced by A.
Protein change: p.Arg76His; replaces arginine 76 with histidine.
Molecular consequence: missense variant. On other transcripts: 5 prime UTR variant (2), non-coding transcript variant (1).
Genome position (GRCh38, 1-based): chr20:417,585, G>A. VCF-style: chr20-417585-G-A. GRCh37 (hg19) VCF-style: chr20-398229-G-A.
Other names: c.-123G>A (NM_001323956.2, NM_001323958.2); c.278G>A, p.Arg93His (NM_001410770.1); c.101G>A, p.Arg34His (NM_006462.6); short protein forms R34H, R76H, R93H.
Identifiers: ClinVar variation 2153339 (VCV002153339.3), dbSNP rs772407882, ClinGen allele CA9723007.

ClinVar aggregate classification (germline): Uncertain significance (1 of 4 stars; one submission).

Conditions:
Polyglucosan body myopathy type 1 (PGBM1). Also called: Polyglucosan body myopathy 1 with or without immunodeficiency; POLYGLUCOSAN BODY MYOPATHY WITHOUT IMMUNODEFICIENCY. Identifiers: Orphanet 329173, Orphanet 397937, MedGen C4014605, MONDO:0014389, OMIM 615895.

Allele frequency attached by ClinVar (database versions not stated): gnomAD 0.00001; ExAC 0.00002.
gnomAD v4.1: 57 of 1,613,876 alleles (0.0035%); highest among the groups gnomAD compares: East Asian, 0.0045%; no homozygotes.

Submission:

Labcorp Genetics (formerly Invitae), Labcorp
Classification: Uncertain significance for Polyglucosan body myopathy type 1. Last evaluated: 2024-10-29. Review status: criteria provided, single submitter. Criteria: Invitae Variant Classification Sherloc (09022015). Collection method: clinical testing. Allele origin: germline.
Comment: This sequence change replaces arginine, which is basic and polar, with histidine, which is basic and polar, at codon 76 of the RBCK1 protein (p.Arg76His). This variant is present in population databases (rs772407882, gnomAD 0.003%). This variant has not been reported in the literature in individuals affected with RBCK1-related conditions. ClinVar contains an entry for this variant (Variation ID: 2153339). Invitae Evidence Modeling of protein sequence and biophysical properties (such as structural, functional, and spatial information, amino acid conservation, physicochemical variation, residue mobility, and thermodynamic stability) indicates that this missense variant is not expected to disrupt RBCK1 protein function with a negative predictive value of 80%. In summary, the available evidence is currently insufficient to determine the role of this variant in disease. Therefore, it has been classified as a Variant of Uncertain Significance.